The following is an entry in ClinVar:

ClinVar aggregate classification (germline): Uncertain significance (1 of 4 stars; one submission).

Submission:

CeGaT Center for Human Genetics Tuebingen
Classification: Uncertain significance. Last evaluated: 2024-04-01. Review status: criteria provided, single submitter. Criteria: CeGaT Center For Human Genetics Tuebingen Variant Classification Criteria Version 2. Collection method: clinical testing. Allele origin: germline. Affected: yes. Observed: 1 variant allele.
Comment: ARID1B: PM2, BP1

NM_001374828.1(ARID1B):c.379G>T (p.Ala127Ser)

Genes: ARID1B (AT-rich interaction domain 1B; plus strand), LOC115308161 (uncharacterized LOC115308161; minus strand). Cytogenetic location: 6q25.3.
Variant type: single nucleotide variant.
Coding change: c.379G>T on transcript NM_001374828.1 (MANE Select); coding-DNA position 379, G replaced by T.
Protein change: p.Ala127Ser; replaces alanine 127 with serine.
Molecular consequence: missense variant.
Genome position (GRCh38, 1-based): chr6:156,778,059, G>T. VCF-style: chr6-156778059-G-T. GRCh37 (hg19) VCF-style: chr6-157099193-G-T.
Other names: c.130G>T, p.Ala44Ser (NM_001346813.1, NM_020732.3); c.379G>T, p.Ala127Ser (NM_001371656.1, NM_001374820.1, NM_017519.3); c.-45G>T (NM_175863.2); short protein forms A127S, A44S.
Identifiers: ClinVar variation 3234615 (VCV003234615.20), dbSNP rs2114960785, ClinGen allele CA366381191.